The following is an entry in ClinVar:

NM_006206.6(PDGFRA):c.280C>T (p.His94Tyr)

Gene: PDGFRA (platelet derived growth factor receptor alpha; plus strand). Cytogenetic location: 4q12.
Variant type: single nucleotide variant.
Coding change: c.280C>T on transcript NM_006206.6 (MANE Select); coding-DNA position 280, C replaced by T.
Protein change: p.His94Tyr; replaces histidine 94 with tyrosine.
Molecular consequence: missense variant.
Genome position (GRCh38, 1-based): chr4:54,261,325, C>T. VCF-style: chr4-54261325-C-T. GRCh37 (hg19) VCF-style: chr4-55127492-C-T.
Other names: c.280C>T, p.His94Tyr (NM_001347827.2, NM_001347829.2); c.355C>T, p.His119Tyr (NM_001347828.2); c.319C>T, p.His107Tyr (NM_001347830.2); short protein forms H94Y, H107Y, H119Y.
Identifiers: ClinVar variation 2453862 (VCV002453862.2), dbSNP rs1418656533, ClinGen allele CA356888768.

ClinVar aggregate classification (germline): Uncertain significance (1 of 4 stars; one submission).

Conditions:
Hereditary cancer-predisposing syndrome. Also called: Neoplastic Syndromes, Hereditary; Hereditary neoplastic syndrome; Tumor predisposition; Hereditary Cancer Syndrome. Identifiers: Orphanet 140162, MedGen C0027672, MeSH D009386, MONDO:0015356.

Allele frequency attached by ClinVar (database versions not stated): gnomAD exomes below 0.00001; TOPMed below 0.00001.
gnomAD v4.1: 1 of 1,614,062 alleles (0.000062%); highest among the groups gnomAD compares: African/African-American, 0.0013%; no homozygotes.

Submission:

Ambry Genetics
Classification: Uncertain significance for Hereditary cancer-predisposing syndrome. Last evaluated: 2023-01-16. Review status: criteria provided, single submitter. Criteria: Ambry Variant Classification Scheme 2023. Collection method: clinical testing. Allele origin: germline.
Comment: The p.H94Y variant (also known as c.280C>T), located in coding exon 2 of the PDGFRA gene, results from a C to T substitution at nucleotide position 280. The histidine at codon 94 is replaced by tyrosine, an amino acid with similar properties. This amino acid position is conserved. In addition, this alteration is predicted to be tolerated by in silico analysis. Since supporting evidence is limited at this time, the clinical significance of this alteration remains unclear.